The following is an entry in ClinVar:

ClinVar aggregate classification (germline): Uncertain significance (1 of 4 stars; one submission).

Conditions:
Noonan syndrome 8 (NS8). Identifiers: Orphanet 648, MedGen C3809233, MONDO:0014143, OMIM 615355.

gnomAD v4.1: 8 of 1,614,180 alleles (0.0005%); highest among the groups gnomAD compares: Non-Finnish European, 0.00059%; no homozygotes.

Submission:

Labcorp Genetics (formerly Invitae), Labcorp
Classification: Uncertain significance for Noonan syndrome 8. Last evaluated: 2025-11-18. Review status: criteria provided, single submitter. Criteria: Invitae Variant Classification Sherloc (09022015). Collection method: clinical testing. Allele origin: germline.
Comment: This sequence change replaces lysine, which is basic and polar, with glutamic acid, which is acidic and polar, at codon 195 of the RIT1 protein (p.Lys195Glu). This variant is present in population databases (rs754510314, gnomAD 0.0009%). This variant has not been reported in the literature in individuals affected with RIT1-related conditions. ClinVar contains an entry for this variant (Variation ID: 3730781). Invitae Evidence Modeling of protein sequence and biophysical properties (such as structural, functional, and spatial information, amino acid conservation, physicochemical variation, residue mobility, and thermodynamic stability) indicates that this missense variant is not expected to disrupt RIT1 protein function with a negative predictive value of 95%. In summary, the available evidence is currently insufficient to determine the role of this variant in disease. Therefore, it has been classified as a Variant of Uncertain Significance.

NM_006912.6(RIT1):c.583A>G (p.Lys195Glu)

Gene: RIT1 (Ras like without CAAX 1; minus strand). Cytogenetic location: 1q22.
Variant type: single nucleotide variant.
Coding change: c.583A>G on transcript NM_006912.6 (MANE Select); coding-DNA position 583, A replaced by G.
Protein change: p.Lys195Glu; replaces lysine 195 with glutamic acid.
Molecular consequence: missense variant.
Genome position (GRCh38, 1-based): chr1:155,900,465, T>C on the plus strand (A>G on the coding strand, the complement: RIT1 is on the minus strand). VCF-style: chr1-155900465-T-C. GRCh37 (hg19) VCF-style: chr1-155870256-T-C.
Other names: c.475A>G, p.Lys159Glu (NM_001256820.2); c.634A>G, p.Lys212Glu (NM_001256821.2); short protein forms K159E, K195E, K212E.
Identifiers: ClinVar variation 3730781 (VCV003730781.2).